The following is an entry in ClinVar:

NM_000321.3(RB1):c.265-9583G>A

Gene: RB1 (RB transcriptional corepressor 1; plus strand). Cytogenetic location: 13q14.2.
Variant type: single nucleotide variant.
Coding change: c.265-9583G>A on transcript NM_000321.3 (MANE Select); 9583 bases into the intron before coding-DNA position 265, G replaced by A.
Molecular consequence: intron variant. On other transcripts: splice acceptor variant (1).
Genome position (GRCh38, 1-based): chr13:48,333,016, G>A. VCF-style: chr13-48333016-G-A. GRCh37 (hg19) VCF-style: chr13-48907152-G-A.
Other names: c.265-9583G>A (NM_001407165.1, NM_001407166.1); c.265-1G>A (NM_001407167.1).
Identifiers: ClinVar variation 3764505 (VCV003764505.1).

ClinVar aggregate classification (germline): Likely benign (1 of 4 stars; one submission).

Conditions:
Hereditary cancer. Identifiers: MedGen C1333600.

gnomAD v4.1: 81 of 398,238 alleles (0.02%); highest among the groups gnomAD compares: Non-Finnish European, 0.034%; no homozygotes.

Submission:

Mendelics
Classification: Likely benign for Hereditary cancer. Last evaluated: 2025-02-04. Review status: criteria provided, single submitter. Criteria: ACMG Guidelines, 2015. Collection method: clinical testing. Allele origin: unknown.
Comment: This variant is considered likely benign or benign based on one or more of the following: it is predicted to be benign by multiple in silico algorithms, and/or has population frequency not consistent with disease, and/or has normal protein function, and/or has lack of segregation with disease, and/or has been detected in co-occurrence with known pathogenic variant, and/or has lack of disease association in case-control studies, and/or is located in a region inconsistent with a known cause of pathogenicity. GnomAD Frequencey 0.0002034 /0 Homozygotes. In Silico predictors non pathogenic. Variant with frequency in internal controls.